The following is an entry in ClinVar:

NM_001174147.2(LMX1B):c.741+14G>A

Gene: LMX1B (LIM homeobox transcription factor 1 beta; plus strand). Cytogenetic location: 9q33.3.
Variant type: single nucleotide variant.
Coding change: c.741+14G>A on transcript NM_001174147.2 (MANE Select); 14 bases into the intron after coding-DNA position 741, G replaced by A.
Molecular consequence: intron variant.
Genome position (GRCh38, 1-based): chr9:126,693,337, G>A. VCF-style: chr9-126693337-G-A. GRCh37 (hg19) VCF-style: chr9-129455616-G-A.
Other names: c.741+14G>A (NM_001174146.2, NM_002316.4).
Identifiers: ClinVar variation 364883 (VCV000364883.7), dbSNP rs527313096, ClinGen allele CA5242400.

ClinVar aggregate classification (germline): Likely benign. Review status: criteria provided, multiple submitters, no conflicts (2 of 4 stars). 2 submissions from 2 submitters: Likely benign (2). Last evaluated 2025-06-12.

Conditions:
Nail-patella syndrome (NPS). Also called: FONG DISEASE; ONYCHOOSTEODYSPLASIA; TURNER-KIESER SYNDROME. Identifiers: Orphanet 2614, MedGen C0027341, MONDO:0008061, OMIM 161200.

Allele frequency attached by ClinVar (database versions not stated): gnomAD 0.00002; TOPMed 0.00002.
gnomAD v4.1: 18 of 1,580,718 alleles (0.0011%); highest among the groups gnomAD compares: Middle Eastern, 0.022%; no homozygotes.

Submissions (2):

Labcorp Genetics (formerly Invitae), Labcorp
Classification: Likely benign. Last evaluated: 2025-06-12. Review status: criteria provided, single submitter. Criteria: Invitae Variant Classification Sherloc (09022015). Collection method: clinical testing. Allele origin: germline.

Illumina Laboratory Services, Illumina
Classification: Likely benign for Nail-patella syndrome. Last evaluated: 2018-01-12. Review status: criteria provided, single submitter. Criteria: ICSL Variant Classification Criteria 13 December 2019. Collection method: clinical testing. Allele origin: germline.
Comment: This variant was observed in the ICSL laboratory as part of a predisposition screen in an ostensibly healthy population. It had not been previously curated by ICSL or reported in the Human Gene Mutation Database (HGMD: prior to June 1st, 2018), and was therefore a candidate for classification through an automated scoring system. Utilizing variant allele frequency, disease prevalence and penetrance estimates, and inheritance mode, an automated score was calculated to assess if this variant is too frequent to cause the disease. Based on the score and internal cut-off values, a variant classified as likely benign is not then subjected to further curation. The score for this variant resulted in a classification of likely benign for this disease.